The following is an entry in ClinVar:

ClinVar aggregate classification (germline): Conflicting classifications of pathogenicity. Review status: criteria provided, conflicting classifications (1 of 4 stars). 5 submissions from 5 submitters: Likely pathogenic (2); Uncertain significance (3). Last evaluated 2026-01-30.

Conditions:
Cardiovascular phenotype. Identifiers: MedGen CN230736.
Hypertrophic cardiomyopathy 10. Also called: CARDIOMYOPATHY, HYPERTROPHIC, MID-LEFT VENTRICULAR CHAMBER TYPE, 2; MYL2-Related Familial Hypertrophic Cardiomyopathy. Identifiers: MedGen C1834460, MONDO:0012112, OMIM 608758.
Hypertrophic cardiomyopathy. Also called: HYPERTROPHIC MYOCARDIOPATHY. Identifiers: Orphanet 217569, MedGen C0007194, MeSH D002312, MONDO:0005045, HP:0001639.

Submissions (5):

GeneDx
Classification: Likely pathogenic. Last evaluated: 2026-01-30. Review status: criteria provided, single submitter. Criteria: GeneDx Variant Classification Process June 2021. Collection method: clinical testing. Allele origin: germline. Affected: yes.
Comment: Identified via genome sequencing in a hospitalized infant with a suspected genetic disorder, but no other phenotypic information was provided (PMID: 37432431); In silico analysis supports that this missense variant has a deleterious effect on protein structure/function; Not observed at significant frequency in large population cohorts (gnomAD); This variant is associated with the following publications: (PMID: 37432431)

Labcorp Genetics (formerly Invitae), Labcorp
Classification: Uncertain significance for Hypertrophic cardiomyopathy 10. Last evaluated: 2025-11-22. Review status: criteria provided, single submitter. Criteria: Invitae Variant Classification Sherloc (09022015). Collection method: clinical testing. Allele origin: germline.
Comment: This sequence change replaces phenylalanine, which is neutral and non-polar, with serine, which is neutral and polar, at codon 18 of the MYL2 protein (p.Phe18Ser). This variant is not present in population databases (gnomAD no frequency). This missense change has been observed in individuals with hypertrophic cardiomyopathy (PMID: 37432431; internal data). ClinVar contains an entry for this variant (Variation ID: 181425). An algorithm developed to predict the effect of missense changes on protein structure and function (PolyPhen-2) suggests that this variant is likely to be disruptive. This variant disrupts the p.Phe18 amino acid residue in MYL2. Other variant(s) that disrupt this residue have been determined to be pathogenic (PMID: 9535554, 11102452, 12668451, 14594949, 25324513). This suggests that this residue is clinically significant, and that variants that disrupt this residue are likely to be disease-causing. In summary, the available evidence is currently insufficient to determine the role of this variant in disease. Therefore, it has been classified as a Variant of Uncertain Significance.

Ambry Genetics
Classification: Uncertain significance for Cardiovascular phenotype. Last evaluated: 2024-04-08. Review status: criteria provided, single submitter. Criteria: Ambry Variant Classification Scheme 2023. Collection method: clinical testing. Allele origin: germline.
Comment: The p.F18S variant (also known as c.53T>C), located in coding exon 2 of the MYL2 gene, results from a T to C substitution at nucleotide position 53. The phenylalanine at codon 18 is replaced by serine, an amino acid with highly dissimilar properties. Another variant at the same codon, p.F18L (c.52T>C) has been reported in individuals with hypertrophic cardiomyopathy (Flavigny J et al. J Mol Med. 1998;76(3-4):208-14; Richard P et al. Circulation. 2003;107(17):2227-32). This amino acid position is highly conserved in available vertebrate species. In addition, this alteration is predicted to be deleterious by in silico analysis. Based on the available evidence, the clinical significance of this variant remains unclear.

All of Us Research Program, National Institutes of Health
Classification: Uncertain significance for Hypertrophic cardiomyopathy. Last evaluated: 2024-01-08. Review status: criteria provided, single submitter. Criteria: ACMG Guidelines, 2015. Collection method: clinical testing. Allele origin: germline. Inheritance: Autosomal dominant inheritance. Observed: 1 variant allele, 1 heterozygote.
Comment: The c.53T>C (p.Phe18Ser) variant of the MYL2 gene is located on the exon 2 of the MYL2 gene and is predicted to replace phenylalanine with serine at codon 18 of the MYL2 protein (p.Phe18Ser). This variant has not been reported in individuals affected with MYL2-related conditions in the medical literature. This variant has been identified in presumably unrelated individuals by other laboratories according to the ClinVar database (ClinVar Variation ID: 181425). A different missense substitution affecting the same amino acid residue Phe18 (p.Phe18Leu) has been determined to be pathogenic in ClinVar based on ACMG guideline. This variant has not been observed in the general population according to the Genome Aggregation Database (gnomAD). In silico prediction algorithm suggests that this variant may have deleterious impact on protein structure and function (REVEL score >0.75). Therefore, the c.53T>C (p.Phe18Ser) variant of the MYL2 gene is classified as likely pathogenic.

This study involves interpretation of variants in research participants for the purpose of population health screening. Participant phenotype was not available at the time of variant classification. Additional details can be found in publication PMID: 35346344, PMCID: PMC8962531

Center for Advanced Laboratory Medicine, UC San Diego Health, University of California San Diego
Classification: Likely pathogenic for Hypertrophic cardiomyopathy. Last evaluated: 2018-12-24. Review status: criteria provided, single submitter. Criteria: ACMG Guidelines, 2015. Collection method: clinical testing. Allele origin: germline. Affected: yes. Observed: 1 variant allele.

Literature cited by the submitters: PubMed 37432431 (cited by Labcorp Genetics (formerly Invitae), Labcorp); PubMed 9535554 (cited by Labcorp Genetics (formerly Invitae), Labcorp); PubMed 11102452 (cited by Labcorp Genetics (formerly Invitae), Labcorp); PubMed 12668451 (cited by Labcorp Genetics (formerly Invitae), Labcorp); PubMed 14594949 (cited by Labcorp Genetics (formerly Invitae), Labcorp); PubMed 25324513 (cited by Labcorp Genetics (formerly Invitae), Labcorp).

NM_000432.4(MYL2):c.53T>C (p.Phe18Ser)

Genes: MYL2 (myosin light chain 2; minus strand), LOC114827850 (VISTA enhancer hs2149; plus strand). Cytogenetic location: 12q24.11.
Variant type: single nucleotide variant.
Coding change: c.53T>C on transcript NM_000432.4 (MANE Select); coding-DNA position 53, T replaced by C.
Protein change: p.Phe18Ser; replaces phenylalanine 18 with serine.
Molecular consequence: missense variant.
Genome position (GRCh38, 1-based): chr12:110,919,144, A>G on the plus strand (T>C on the coding strand, the complement: MYL2 is on the minus strand). VCF-style: chr12-110919144-A-G. GRCh37 (hg19) VCF-style: chr12-111356948-A-G.
Other names: p.F18S:TTC>TCC; short protein forms F18S.
Identifiers: ClinVar variation 181425 (VCV000181425.14), dbSNP rs730880944, ClinGen allele CA010495.